The following is an entry in ClinVar:

ClinVar aggregate classification (germline): Uncertain significance (1 of 4 stars; one submission).

gnomAD v4.1: 2 of 1,613,748 alleles (0.00012%); highest among the groups gnomAD compares: Non-Finnish European, 0.00017%; no homozygotes.

Submission:

Ambry Genetics
Classification: Uncertain significance. Last evaluated: 2025-02-15. Review status: criteria provided, single submitter. Criteria: Ambry Variant Classification Scheme 2023. Collection method: clinical testing. Allele origin: germline.
Comment: The p.P80S variant (also known as c.238C>T), located in coding exon 3 of the RAD51B gene, results from a C to T substitution at nucleotide position 238. The proline at codon 80 is replaced by serine, an amino acid with similar properties. This amino acid position is conserved. In addition, this alteration is predicted to be tolerated by in silico analysis. Based on the available evidence, the clinical significance of this variant remains unclear.

NM_133510.4(RAD51B):c.238C>T (p.Pro80Ser)

Gene: RAD51B (RAD51 paralog B; plus strand). Cytogenetic location: 14q24.1.
Variant type: single nucleotide variant.
Coding change: c.238C>T on transcript NM_133510.4 (MANE Select); coding-DNA position 238, C replaced by T.
Protein change: p.Pro80Ser; replaces proline 80 with serine.
Molecular consequence: missense variant. On other transcripts: 5 prime UTR variant (1).
Genome position (GRCh38, 1-based): chr14:67,835,119, C>T. VCF-style: chr14-67835119-C-T. GRCh37 (hg19) VCF-style: chr14-68301836-C-T.
Other names: c.238C>T, p.Pro80Ser (NM_001321809.2, NM_001321810.2, NM_001321812.1 and 6 more transcripts); c.124C>T, p.Pro42Ser (NM_001321815.1); c.-218C>T (NM_001321817.2); short protein forms P80S, P42S.
Identifiers: ClinVar variation 3786457 (VCV003786457.1).
Genomic context (GRCh38, chr14:67,835,119, plus strand): 5'-CTTAATCATTTTCTTGTTTAGGCTTATGGGATAAAAGCACAAAGGTCTGCTGATTTCTCA[C>T]CAGCATTCTTATCTACTACCCTTTCTGCTTTGGACGAAGCCCTGCATGGTGGTGTGGCTT-3'
Protein context (NP_598194.1, residues 70-90): IKAQRSADFS[Pro80Ser]AFLSTTLSAL